The following is an entry in ClinVar:

ClinVar aggregate classification (germline): Conflicting classifications of pathogenicity. Review status: criteria provided, conflicting classifications (1 of 4 stars). 3 submissions from 3 submitters: Uncertain significance (1); Benign (1); Likely benign (1). Last evaluated 2026-08-01.

Allele frequency attached by ClinVar (database versions not stated): gnomAD exomes 0.00006 and 0.00021; ExAC 0.00022; TOPMed 0.00065; ESP Exome Variant Server 0.00066; gnomAD 0.00066 and 0.00072; 1000 Genomes Project 0.00132; 1000 Genomes Project 30x 0.00146.
gnomAD v4.1: 150 of 1,209,800 alleles (0.012%); highest among the groups gnomAD compares: African/African-American, 0.22%; no homozygotes.

Submissions (3):

CeGaT Center for Human Genetics Tuebingen
Classification: Likely benign. Last evaluated: 2026-08-01. Review status: criteria provided, single submitter. Criteria: CeGaT Center For Human Genetics Tuebingen Variant Classification Criteria Version 2. Collection method: clinical testing. Allele origin: germline. Affected: yes. Observed: 1 variant allele.
Comment: FRMPD4: BP4, BP7, BS2

Labcorp Genetics (formerly Invitae), Labcorp
Classification: Benign. Last evaluated: 2018-06-21. Review status: criteria provided, single submitter. Criteria: Invitae Variant Classification Sherloc (09022015). Collection method: clinical testing. Allele origin: germline.

Eurofins Ntd Llc (ga)
Classification: Uncertain significance. Last evaluated: 2014-11-30. Review status: criteria provided, single submitter. Criteria: EGL Classification Definitions 2015. Collection method: clinical testing. Allele origin: germline. Observed: 1 variant allele, 1 hemizygote.

NM_001368397.1(FRMPD4):c.2829C>T (p.Tyr943=)

Gene: FRMPD4 (FERM and PDZ domain containing 4; plus strand). Cytogenetic location: Xp22.2.
Variant type: single nucleotide variant.
Coding change: c.2829C>T on transcript NM_001368397.1 (MANE Select); coding-DNA position 2829, C replaced by T.
Protein change: p.Tyr943=; no amino-acid change (tyrosine 943 retained).
Molecular consequence: synonymous variant.
Genome position (GRCh38, 1-based): chrX:12,717,655, C>T. VCF-style: chrX-12717655-C-T. GRCh37 (hg19) VCF-style: chrX-12735774-C-T.
Other names: c.2940C>T, p.Tyr980= (NM_001368395.3, NM_001368398.3); c.2835C>T, p.Tyr945= (NM_001368396.3); c.2820C>T, p.Tyr940= (NM_001368399.3); c.2709C>T, p.Tyr903= (NM_001368400.3); c.2805C>T, p.Tyr935= (NM_001368401.1, NM_001368402.3); c.2829C>T, p.Tyr943= (NM_014728.3).
Identifiers: ClinVar variation 194656 (VCV000194656.10), dbSNP rs140515130, ClinGen allele CA240747.
Genomic context (GRCh38, chrX:12,717,655, plus strand): 5'-CACAGCACAAAAACAGTCAGAAAACCTCTCCCGCATGTTCTTGGCCACTCACGAAGGCTA[C>T]CACCCCCTTGCAGAAGAGCAGACCGAGTTCCCGGCCTCCAAGACCCCCGCTGGGGGCTTG-3'
Protein context (NP_001355326.1, residues 933-953): SRMFLATHEG[Tyr943=]HPLAEEQTEF